The following is an entry in ClinVar:

ClinVar aggregate classification (germline): Conflicting classifications of pathogenicity. Review status: criteria provided, conflicting classifications (1 of 4 stars). 2 submissions from 2 submitters: Pathogenic (1); Uncertain significance (1). Last evaluated 2025-08-29.

Conditions:
Developmental and epileptic encephalopathy, 32 (DEE32). Also called: Epileptic encephalopathy, early infantile, 32. Identifiers: Orphanet 442835, MedGen C4225350, MONDO:0014607, OMIM 616366.

Allele frequency attached by ClinVar (database versions not stated): gnomAD exomes below 0.00001; TOPMed below 0.00001.
gnomAD v4.1: 7 of 1,614,144 alleles (0.00043%); highest among the groups gnomAD compares: South Asian, 0.0011%; no homozygotes.

Submissions (2):

Labcorp Genetics (formerly Invitae), Labcorp
Classification: Pathogenic for Developmental and epileptic encephalopathy, 32. Last evaluated: 2025-08-29. Review status: criteria provided, single submitter. Criteria: Invitae Variant Classification Sherloc (09022015). Collection method: clinical testing. Allele origin: germline.
Comment: This sequence change replaces arginine, which is basic and polar, with glutamine, which is neutral and polar, at codon 80 of the KCNA2 protein (p.Arg80Gln). This variant is not present in population databases (gnomAD no frequency). This missense change has been observed in individual(s) with clinical features of epileptic encephalopathy (internal data). In at least one individual the variant was observed to be de novo. ClinVar contains an entry for this variant (Variation ID: 852778). Invitae Evidence Modeling of protein sequence and biophysical properties (such as structural, functional, and spatial information, amino acid conservation, physicochemical variation, residue mobility, and thermodynamic stability) indicates that this missense variant is expected to disrupt KCNA2 protein function with a positive predictive value of 95%. For these reasons, this variant has been classified as Pathogenic.

GeneDx
Classification: Uncertain significance. Last evaluated: 2022-09-27. Review status: criteria provided, single submitter. Criteria: GeneDx Variant Classification Process June 2021. Collection method: clinical testing. Allele origin: germline. Affected: yes.
Comment: Not observed at significant frequency in large population cohorts (gnomAD); In silico analysis supports that this missense variant has a deleterious effect on protein structure/function; Has not been previously published as pathogenic or benign to our knowledge

NM_004974.4(KCNA2):c.239G>A (p.Arg80Gln)

Gene: KCNA2 (potassium voltage-gated channel subfamily A member 2; minus strand). Cytogenetic location: 1p13.3.
Variant type: single nucleotide variant.
Coding change: c.239G>A on transcript NM_004974.4 (MANE Select); coding-DNA position 239, G replaced by A.
Protein change: p.Arg80Gln; replaces arginine 80 with glutamine.
Molecular consequence: missense variant.
Genome position (GRCh38, 1-based): chr1:110,604,544, C>T on the plus strand (G>A on the coding strand, the complement: KCNA2 is on the minus strand). VCF-style: chr1-110604544-C-T. GRCh37 (hg19) VCF-style: chr1-111147166-C-T.
Other names: c.239G>A, p.Arg80Gln (NM_001204269.2); short protein forms R80Q.
Identifiers: ClinVar variation 852778 (VCV000852778.13), dbSNP rs1649513909, ClinGen allele CA341606271.